The following is an entry in ClinVar:

NM_016729.3(FOLR1):c.10C>T (p.Arg4Trp)

Genes: FOLR1-AS1 (FOLR1 antisense RNA 1; minus strand), FOLR1 (folate receptor alpha; plus strand). Cytogenetic location: 11q13.4.
Variant type: single nucleotide variant.
Coding change: c.10C>T on transcript NM_016729.3 (MANE Select); coding-DNA position 10, C replaced by T.
Protein change: p.Arg4Trp; replaces arginine 4 with tryptophan.
Molecular consequence: missense variant.
Genome position (GRCh38, 1-based): chr11:72,192,183, C>T. VCF-style: chr11-72192183-C-T. GRCh37 (hg19) VCF-style: chr11-71903227-C-T.
Other names: c.10C>T, p.Arg4Trp (NM_000802.3, NM_016724.3, NM_016725.3); short protein forms R4W.
Identifiers: ClinVar variation 1448935 (VCV001448935.7), dbSNP rs112062510, ClinGen allele CA6169097.

ClinVar aggregate classification (germline): Uncertain significance. Review status: criteria provided, multiple submitters, no conflicts (2 of 4 stars). 2 submissions from 2 submitters: Uncertain significance (2). Last evaluated 2022-08-16.

Conditions:
Cerebral folate transport deficiency. Also called: FOLATE RECEPTOR DEFICIENCY; NEURODEGENERATION DUE TO CEREBRAL FOLATE TRANSPORT DEFICIENCY; FOLR1-Related Cerebral Folate Transport Deficiency; Cerebral folate deficiency syndrome; Neurodegenerative syndrome due to cerebral folate transport deficiency. Identifiers: Orphanet 217382, MedGen C2751584, MONDO:0013110, OMIM 613068. Disease mechanism: loss of function.

Allele frequency attached by ClinVar (database versions not stated): gnomAD 0.00002 and 0.00003; TOPMed 0.00002; ESP Exome Variant Server 0.00008.
gnomAD v4.1: 19 of 1,614,122 alleles (0.0012%); highest among the groups gnomAD compares: African/African-American, 0.012%; no homozygotes.

Submissions (2):

Labcorp Genetics (formerly Invitae), Labcorp
Classification: Uncertain significance for Cerebral folate transport deficiency. Last evaluated: 2022-08-16. Review status: criteria provided, single submitter. Criteria: Invitae Variant Classification Sherloc (09022015). Collection method: clinical testing. Allele origin: germline.
Comment: This sequence change replaces arginine, which is basic and polar, with tryptophan, which is neutral and slightly polar, at codon 4 of the FOLR1 protein (p.Arg4Trp). This variant is present in population databases (rs112062510, gnomAD 0.007%). This variant has not been reported in the literature in individuals affected with FOLR1-related conditions. ClinVar contains an entry for this variant (Variation ID: 1448935). Algorithms developed to predict the effect of missense changes on protein structure and function (SIFT, PolyPhen-2, Align-GVGD) all suggest that this variant is likely to be tolerated. Algorithms developed to predict the effect of sequence changes on RNA splicing suggest that this variant may disrupt the consensus splice site. In summary, the available evidence is currently insufficient to determine the role of this variant in disease. Therefore, it has been classified as a Variant of Uncertain Significance.

Victorian Clinical Genetics Services, Murdoch Childrens Research Institute
Classification: Uncertain significance for Cerebral folate transport deficiency. Last evaluated: 2019-08-28. Review status: criteria provided, single submitter. Criteria: ACMG Guidelines, 2015. Collection method: clinical testing. Allele origin: germline. Inheritance: Autosomal recessive inheritance. Affected: yes.
Comment: A heterozygous missense variant was identified, NM_016725.2(FOLR1):c.10C>T in exon 2 of 5 of the FOLR1 gene. This substitution is predicted to create a major amino acid change from arginine to tryptophan at position 4 of the protein, NP_057937.1(FOLR1):p.(Arg4Trp). The arginine at this position has low conservation (100 vertebrates, UCSC), and is not situated in a known functional domain. In silico software predictions of the pathogenicity of this variant are conflicting (Polyphen, SIFT, CADD, Mutation Taster). The variant is present in the gnomAD population database at a frequency of 0.0016% (4 heterozygotes, 0 homozygotes). The variant has not been previously reported in a clinical context. Based on information available at the time of curation, this variant has been classified as a VARIANT of UNCERTAIN SIGNIFICANCE (VUS).